The following is an entry in ClinVar:

ClinVar aggregate classification (germline): Uncertain significance (1 of 4 stars; one submission).

Conditions:
Charcot-Marie-Tooth disease type 4. Also called: Charcot-Marie-Tooth disease, type IV; Charcot-Marie-Tooth, Type 4. Identifiers: Orphanet 64749, MedGen C4082197, MONDO:0018995.

Allele frequency attached by ClinVar (database versions not stated): gnomAD 0.00002; TOPMed 0.00001.
gnomAD v4.1: 3 of 1,614,006 alleles (0.00019%); highest among the groups gnomAD compares: Non-Finnish European, 0.00025%; no homozygotes.

Submission:

Labcorp Genetics (formerly Invitae), Labcorp
Classification: Uncertain significance for Charcot-Marie-Tooth disease type 4. Last evaluated: 2022-04-18. Review status: criteria provided, single submitter. Criteria: Invitae Variant Classification Sherloc (09022015). Collection method: clinical testing. Allele origin: germline.
Comment: This sequence change replaces tyrosine, which is neutral and polar, with phenylalanine, which is neutral and non-polar, at codon 1118 of the SBF2 protein (p.Tyr1118Phe). This variant is present in population databases (no rsID available, gnomAD 0.007%). This variant has not been reported in the literature in individuals affected with SBF2-related conditions. ClinVar contains an entry for this variant (Variation ID: 657809). Algorithms developed to predict the effect of missense changes on protein structure and function (SIFT, PolyPhen-2, Align-GVGD) all suggest that this variant is likely to be tolerated. In summary, the available evidence is currently insufficient to determine the role of this variant in disease. Therefore, it has been classified as a Variant of Uncertain Significance.

NM_030962.4(SBF2):c.3353A>T (p.Tyr1118Phe)

Genes: SBF2 (SET binding factor 2; minus strand), LOC101928008 (uncharacterized LOC101928008; plus strand). Cytogenetic location: 11p15.4.
Variant type: single nucleotide variant.
Coding change: c.3353A>T on transcript NM_030962.4 (MANE Select); coding-DNA position 3353, A replaced by T.
Protein change: p.Tyr1118Phe; replaces tyrosine 1118 with phenylalanine.
Molecular consequence: missense variant.
Genome position (GRCh38, 1-based): chr11:9,839,600, T>A on the plus strand (A>T on the coding strand, the complement: SBF2 is on the minus strand). VCF-style: chr11-9839600-T-A. GRCh37 (hg19) VCF-style: chr11-9861147-T-A.
Other names: c.3353A>T, p.Tyr1118Phe (NM_001386339.1); c.3224A>T, p.Tyr1075Phe (NM_001386342.1); short protein forms Y1118F, Y1075F.
Identifiers: ClinVar variation 657809 (VCV000657809.7), dbSNP rs1206899890, ClinGen allele CA379628679.